The following is an entry in ClinVar:

NM_005557.4(KRT16):c.518A>G (p.Asp173Gly)

Gene: KRT16 (keratin 16; minus strand). Cytogenetic location: 17q21.2.
Variant type: single nucleotide variant.
Coding change: c.518A>G on transcript NM_005557.4 (MANE Select); coding-DNA position 518, A replaced by G.
Protein change: p.Asp173Gly; replaces aspartic acid 173 with glycine.
Molecular consequence: missense variant.
Genome position (GRCh38, 1-based): chr17:41,612,171, T>C on the plus strand (A>G on the coding strand, the complement: KRT16 is on the minus strand). VCF-style: chr17-41612171-T-C. GRCh37 (hg19) VCF-style: chr17-39768423-T-C.
Other names: short protein forms D173G.
Identifiers: ClinVar variation 4743756 (VCV004743756.1).

ClinVar aggregate classification (germline): Uncertain significance (1 of 4 stars; one submission).

gnomAD v4.1: 42 of 1,612,076 alleles (0.0026%); highest among the groups gnomAD compares: Admixed American, 0.07%; no homozygotes.

Submission:

Labcorp Genetics (formerly Invitae), Labcorp
Classification: Uncertain significance. Last evaluated: 2025-02-27. Review status: criteria provided, single submitter. Criteria: Invitae Variant Classification Sherloc (09022015). Collection method: clinical testing. Allele origin: germline.
Comment: This sequence change replaces aspartic acid, which is acidic and polar, with glycine, which is neutral and non-polar, at codon 173 of the KRT16 protein (p.Asp173Gly). This variant is present in population databases (rs772155015, gnomAD 0.05%), and has an allele count higher than expected for a pathogenic variant. This variant has not been reported in the literature in individuals affected with KRT16-related conditions. Invitae Evidence Modeling of protein sequence and biophysical properties (such as structural, functional, and spatial information, amino acid conservation, physicochemical variation, residue mobility, and thermodynamic stability) has been performed for this missense variant. However, the output from this modeling did not meet the statistical confidence thresholds required to predict the impact of this variant on KRT16 protein function. In summary, the available evidence is currently insufficient to determine the role of this variant in disease. Therefore, it has been classified as a Variant of Uncertain Significance.